The following is an entry in ClinVar:

NM_001267550.2(TTN):c.54944G>A (p.Gly18315Asp)

Genes: TTN (titin; minus strand), TTN-AS1 (TTN antisense RNA 1; plus strand). Cytogenetic location: 2q31.2.
Variant type: single nucleotide variant.
Coding change: c.54944G>A on transcript NM_001267550.2 (MANE Select); coding-DNA position 54944, G replaced by A.
Protein change: p.Gly18315Asp; replaces glycine 18315 with aspartic acid.
Molecular consequence: missense variant.
Genome position (GRCh38, 1-based): chr2:178,602,458, C>T on the plus strand (G>A on the coding strand, the complement: TTN is on the minus strand). VCF-style: chr2-178602458-C-T. GRCh37 (hg19) VCF-style: chr2-179467185-C-T.
Other names: c.50021G>A, p.Gly16674Asp (NM_001256850.1); c.27749G>A, p.Gly9250Asp (NM_003319.4); c.47240G>A, p.Gly15747Asp (NM_133378.4); c.28124G>A, p.Gly9375Asp (NM_133432.3); c.28325G>A, p.Gly9442Asp (NM_133437.4); short protein forms G15747D, G16674D, G18315D, G9250D, G9375D, G9442D.
Identifiers: ClinVar variation 2651629 (VCV002651629.24), dbSNP rs779940105, ClinGen allele CA1993553.

ClinVar aggregate classification (germline): Uncertain significance (1 of 4 stars; one submission).

Allele frequency attached by ClinVar (database versions not stated): gnomAD exomes below 0.00001; ExAC 0.00001.
gnomAD v4.1: 3 of 1,612,354 alleles (0.00019%); highest among the groups gnomAD compares: Admixed American, 0.005%; no homozygotes.

Submission:

CeGaT Center for Human Genetics Tuebingen
Classification: Uncertain significance. Last evaluated: 2023-02-01. Review status: criteria provided, single submitter. Criteria: CeGaT Center For Human Genetics Tuebingen Variant Classification Criteria Version 2. Collection method: clinical testing. Allele origin: germline. Affected: yes. Observed: 1 variant allele.
Comment: TTN: PM2